The following is an entry in ClinVar:

NM_002336.3(LRP6):c.1313A>G (p.Lys438Arg)

Gene: LRP6 (LDL receptor related protein 6; minus strand). Cytogenetic location: 12p13.2.
Variant type: single nucleotide variant.
Coding change: c.1313A>G on transcript NM_002336.3 (MANE Select); coding-DNA position 1313, A replaced by G.
Protein change: p.Lys438Arg; replaces lysine 438 with arginine.
Molecular consequence: missense variant.
Genome position (GRCh38, 1-based): chr12:12,181,103, T>C on the plus strand (A>G on the coding strand, the complement: LRP6 is on the minus strand). VCF-style: chr12-12181103-T-C. GRCh37 (hg19) VCF-style: chr12-12334037-T-C.
Other names: c.1313A>G, p.Lys438Arg (NM_001414244.1, NM_001414245.1, NM_001414246.1 and 5 more transcripts); c.1115A>G, p.Lys372Arg (NM_001414247.1); c.860A>G, p.Lys287Arg (NM_001414252.1, NM_001414253.1, NM_001414254.1); short protein forms K372R, K287R, K438R.
Identifiers: ClinVar variation 1911484 (VCV001911484.5), dbSNP rs762270656, ClinGen allele CA232999463.

ClinVar aggregate classification (germline): Uncertain significance (1 of 4 stars; one submission).

Allele frequency attached by ClinVar (database versions not stated): TOPMed 0.00002; gnomAD exomes 0.00003; gnomAD 0.00005.

Submission:

Labcorp Genetics (formerly Invitae), Labcorp
Classification: Uncertain significance. Last evaluated: 2022-09-23. Review status: criteria provided, single submitter. Criteria: Invitae Variant Classification Sherloc (09022015). Collection method: clinical testing. Allele origin: germline.
Comment: In summary, the available evidence is currently insufficient to determine the role of this variant in disease. Therefore, it has been classified as a Variant of Uncertain Significance. Advanced modeling of protein sequence and biophysical properties (such as structural, functional, and spatial information, amino acid conservation, physicochemical variation, residue mobility, and thermodynamic stability) performed at Invitae indicates that this missense variant is not expected to disrupt LRP6 protein function. This variant has not been reported in the literature in individuals affected with LRP6-related conditions. This variant is present in population databases (rs762270656, gnomAD 0.002%). This sequence change replaces lysine, which is basic and polar, with arginine, which is basic and polar, at codon 438 of the LRP6 protein (p.Lys438Arg).